The following is an entry in ClinVar:

Conditions:
Breast-ovarian cancer, familial, susceptibility to, 1 (BROVCA1). Also called: BRCA1 Hereditary Breast and Ovarian Cancer; OVARIAN CANCER, SUSCEPTIBILITY TO. Identifiers: Orphanet 145, MedGen C2676676, MONDO:0011450, OMIM 604370. Disease mechanism: loss of function.

Submission:

Brotman Baty Institute, University of Washington
No classification provided (evidence only). Condition: Breast-ovarian cancer, familial 1. Review status: no classification provided. Collection method: in vitro. Allele origin: not applicable. Functional consequence: functionally_normal.
ClinVar note: "not provided" was previously submitted as the classification for the variant. However, the classification appeared to be based only on an observation of functional data so it was converted to no classification on 2025-07-30.

NM_007294.4(BRCA1):c.5193+23T>A

Gene: BRCA1 (BRCA1 DNA repair associated; minus strand). Cytogenetic location: 17q21.31.
Variant type: single nucleotide variant.
Coding change: c.5193+23T>A on transcript NM_007294.4 (MANE Select); 23 bases into the intron after coding-DNA position 5193, T replaced by A.
Molecular consequence: intron variant.
Genome position (GRCh38, 1-based): chr17:43,063,310, A>T on the plus strand (T>A on the coding strand, the complement: BRCA1 is on the minus strand). VCF-style: chr17-43063310-A-T. GRCh37 (hg19) VCF-style: chr17-41215327-A-T.
Other names: c.1740+23T>A (NM_001408458.1, NM_001408461.1, NM_001408464.1 and 7 more transcripts); c.4302+23T>A (NM_001407967.1); c.4812+23T>A (NM_001407959.1); c.4926+23T>A (NM_001407931.1, NM_001407932.1, NM_001407928.1 and 4 more transcripts); c.5049+23T>A (NM_001407747.1, NM_001407745.1, NM_001407737.1 and 21 more transcripts); c.4809+23T>A (NM_001407962.1, NM_001407960.1); c.1380+23T>A (NM_001408512.1); c.1503+23T>A (NM_001408510.1); and 72 more.
Identifiers: ClinVar variation 867815 (VCV000867815.3), dbSNP rs2051848700, ClinGen allele CA916079987.